The following is an entry in ClinVar:

ClinVar aggregate classification (germline): Benign (0 of 4 stars; one submission).

Conditions:
ARFGEF3-related disorder. Also called: ARFGEF3-related condition.

Allele frequency attached by ClinVar (database versions not stated): gnomAD exomes 0.00326; ExAC 0.01028; gnomAD 0.03178; ESP Exome Variant Server 0.03471; 1000 Genomes Project 0.03514; TOPMed 0.03549; 1000 Genomes Project 30x 0.03701.
gnomAD v4.1: 9,791 of 1,609,484 alleles (0.61%); highest among the groups gnomAD compares: African/African-American, 11%; 457 homozygotes.

Submission:

PreventionGenetics, part of Exact Sciences
Classification: Benign for ARFGEF3-related condition. Last evaluated: 2019-11-06. Review status: no assertion criteria provided. Collection method: clinical testing. Allele origin: germline.
Comment: This variant is classified as benign based on ACMG/AMP sequence variant interpretation guidelines (Richards et al. 2015 PMID: 25741868, with internal and published modifications).

NM_020340.5(ARFGEF3):c.5001+10G>T

Gene: ARFGEF3 (ARFGEF family member 3; plus strand). Cytogenetic location: 6q24.1.
Variant type: single nucleotide variant.
Coding change: c.5001+10G>T on transcript NM_020340.5 (MANE Select); 10 bases into the intron after coding-DNA position 5001, G replaced by T.
Molecular consequence: intron variant.
Genome position (GRCh38, 1-based): chr6:138,324,164, G>T. VCF-style: chr6-138324164-G-T. GRCh37 (hg19) VCF-style: chr6-138645301-G-T.
Identifiers: ClinVar variation 3055885 (VCV003055885.2), dbSNP rs6919776, ClinGen allele CA4021527.
Genomic context (GRCh38, chr6:138,324,164, plus strand): 5'-TCCCCAAGTGCCGAGGCCGAGTACTGGCGCATCCGAGCCATGGCCCAGCAGGTAAGGGCA[G>T]GGGCTTTTGATCTCAGGAGCTCTAGAAACTCGAAGTGCATGTTGGGAGACCTTCCTTGAA-3'